The following is an entry in ClinVar:

ClinVar aggregate classification (germline): Likely pathogenic (1 of 4 stars; one submission).

Conditions:
Familial cancer of breast. Also called: hereditary breast carcinoma; BREAST CANCER, FAMILIAL; Hereditary breast cancer. Identifiers: Orphanet 227535, MedGen C0346153, MONDO:0016419, OMIM 114480. Disease mechanism: loss of function.

Submission:

Labcorp Genetics (formerly Invitae), Labcorp
Classification: Likely pathogenic for Familial cancer of breast. Last evaluated: 2025-06-29. Review status: criteria provided, single submitter. Criteria: Invitae Variant Classification Sherloc (09022015). Collection method: clinical testing. Allele origin: germline.
Comment: This sequence change creates a premature translational stop signal (p.Leu498Serfs*4) in the CHEK2 gene. While this is not anticipated to result in nonsense mediated decay, it is expected to disrupt the last 47 amino acid(s) of the CHEK2 protein. This variant is not present in population databases (gnomAD no frequency). This variant has not been reported in the literature in individuals affected with CHEK2-related conditions. This variant disrupts the nuclear localization signal (NLS) of the CHEK2 protein, which is critical for proper nuclear localization (PMID: 18004398, 12909615). While functional studies have not been performed to directly test the effect of this variant on CHEK2 protein function, this suggests that disruption of this region of the protein is causative of disease. In summary, the currently available evidence indicates that the variant is pathogenic, but additional data are needed to prove that conclusively. Therefore, this variant has been classified as Likely Pathogenic.

Literature cited by the submitters: PubMed 18004398; PubMed 12909615.

NM_007194.4(CHEK2):c.1491dup (p.Leu498fs)

Gene: CHEK2 (checkpoint kinase 2; minus strand). Cytogenetic location: 22q12.1.
Variant type: Duplication.
Coding change: c.1491dup on transcript NM_007194.4 (MANE Select); coding-DNA position 1491, one base duplicated (T; older notation c.1491dupT).
Protein change: p.Leu498fs; shifts the reading frame from leucine 498.
Molecular consequence: frameshift variant.
Genome position (GRCh38, 1-based): chr22:28,689,186, A duplicated on the plus strand (T on the coding strand, the reverse complement: CHEK2 is on the minus strand). VCF-style (leftmost placement, unchanged base first): chr22-28689185-G-GA. GRCh37 (hg19) VCF-style: chr22-29085173-G-GA.
Other names: c.1620dup, p.Leu541fs (NM_001005735.3); c.828dup, p.Leu277fs (NM_001257387.3, NM_001437942.1); c.1290dup, p.Leu431fs (NM_001349956.3); c.1584dup, p.Leu529fs (NM_001438293.1); c.1533dup, p.Leu512fs (NM_001438294.1); c.1497dup, p.Leu500fs (NM_001438295.1); c.1404dup, p.Leu469fs (NM_145862.3); short protein forms L469fs, L498fs, L512fs, L277fs, L500fs, L431fs, L529fs, L541fs.
Identifiers: ClinVar variation 4722280 (VCV004722280.1).